The following is an entry in ClinVar:

NM_176787.5(PIGN):c.1619C>T (p.Pro540Leu)

Gene: PIGN (phosphatidylinositol glycan anchor biosynthesis class N; minus strand). Cytogenetic location: 18q21.33.
Variant type: single nucleotide variant.
Coding change: c.1619C>T on transcript NM_176787.5 (MANE Select); coding-DNA position 1619, C replaced by T.
Protein change: p.Pro540Leu; replaces proline 540 with leucine.
Molecular consequence: missense variant.
Genome position (GRCh38, 1-based): chr18:62,107,041, G>A on the plus strand (C>T on the coding strand, the complement: PIGN is on the minus strand). VCF-style: chr18-62107041-G-A. GRCh37 (hg19) VCF-style: chr18-59774274-G-A.
Other names: c.1619C>T, p.Pro540Leu (NM_012327.6); short protein forms P540L.
Identifiers: ClinVar variation 472212 (VCV000472212.8), dbSNP rs762966799, ClinGen allele CA8982232.

ClinVar aggregate classification (germline): Uncertain significance (1 of 4 stars; one submission).

Conditions:
Multiple congenital anomalies-hypotonia-seizures syndrome 1 (MCAHS1). Also called: GLYCOSYLPHOSPHATIDYLINOSITOL BIOSYNTHESIS DEFECT 3; PIGN-CDG; Congenital disorder of glycosylation due to PIGN deficiency. Identifiers: Orphanet 280633, MedGen C3279775, MONDO:0013563, OMIM 614080.

Allele frequency attached by ClinVar (database versions not stated): TOPMed 0.00001; gnomAD 0.00002; gnomAD exomes below 0.00001; ExAC 0.00002.
gnomAD v4.1: 4 of 1,590,638 alleles (0.00025%); highest among the groups gnomAD compares: African/African-American, 0.0054%; no homozygotes.

Submission:

Labcorp Genetics (formerly Invitae), Labcorp
Classification: Uncertain significance for Multiple congenital anomalies-hypotonia-seizures syndrome 1. Last evaluated: 2024-06-13. Review status: criteria provided, single submitter. Criteria: Invitae Variant Classification Sherloc (09022015). Collection method: clinical testing. Allele origin: germline.
Comment: This sequence change replaces proline, which is neutral and non-polar, with leucine, which is neutral and non-polar, at codon 540 of the PIGN protein (p.Pro540Leu). The frequency data for this variant in the population databases is considered unreliable, as metrics indicate poor data quality at this position in the gnomAD database. This variant has not been reported in the literature in individuals affected with PIGN-related conditions. ClinVar contains an entry for this variant (Variation ID: 472212). Advanced modeling of protein sequence and biophysical properties (such as structural, functional, and spatial information, amino acid conservation, physicochemical variation, residue mobility, and thermodynamic stability) performed at Invitae indicates that this missense variant is not expected to disrupt PIGN protein function with a negative predictive value of 80%. In summary, the available evidence is currently insufficient to determine the role of this variant in disease. Therefore, it has been classified as a Variant of Uncertain Significance.